The following is an entry in ClinVar:

ClinVar aggregate classification (germline): Pathogenic (1 of 4 stars; one submission).

Submission:

GeneDx
Classification: Pathogenic. Last evaluated: 2018-08-28. Review status: criteria provided, single submitter. Criteria: GeneDx Variant Classification (06012015). Collection method: clinical testing. Allele origin: germline. Affected: yes.
Comment: The c.1327_1328delAT pathogenic variant in the NSD1 gene causes a frameshift starting with codon Isoleucine 443, changes this amino acid to a Serine residue and creates a premature Stop codon at position 9 of the new reading frame, denoted p.Ile443SerfsX9. This pathogenic variant is predicted to cause loss of normal protein function either through protein truncation or nonsense-mediated mRNA decay. The c.1327_1328delAT variant is not observed in large population cohorts (Lek et al., 2016).

NM_022455.5(NSD1):c.1327_1328del (p.Ile443fs)

Gene: NSD1 (nuclear receptor binding SET domain protein 1; plus strand). Cytogenetic location: 5q35.3.
Variant type: Deletion.
Coding change: c.1327_1328del on transcript NM_022455.5 (MANE Select); coding-DNA positions 1327 to 1328, 2 bases deleted (AT; older notation c.1327_1328delAT).
Protein change: p.Ile443fs; shifts the reading frame from isoleucine 443.
Molecular consequence: frameshift variant.
Genome position (GRCh38, 1-based): chr5:177,209,726-177,209,727, AT deleted; deleting any 2 consecutive bases within chr5:177,209,725-177,209,727 gives the same sequence; the c. name uses the placement nearest the transcript's 3' end. VCF-style (leftmost placement, unchanged base first): chr5-177209724-GTA-G. GRCh37 (hg19) VCF-style: chr5-176636725-GTA-G.
Other names: c.454_455delAT, p.Ile152Serfs (NM_001365684.2, NM_001409306.1, NM_001409307.1 and 3 more transcripts); c.1327_1328delAT, p.Ile443Serfs (NM_001409301.1, NM_001409302.1, NM_001409303.1); c.907_908delAT, p.Ile303Serfs (NM_001409304.1); c.574_575delAT, p.Ile192Serfs (NM_001409305.1); short protein forms I174fs, I443fs.
Identifiers: ClinVar variation 817196 (VCV000817196.1), dbSNP rs1581314832, ClinGen allele CA915942719.